The following is an entry in ClinVar:

ClinVar aggregate classification (germline): Uncertain significance (1 of 4 stars; one submission).

Conditions:
Hereditary spastic paraplegia 30. Identifiers: Orphanet 101010, MedGen C5235139, MONDO:0012476.
Neuropathy, hereditary sensory, type 2C. Also called: Hereditary sensory and autonomic neuropathy type IIC; KIF1A-Related HSAN2 (HSAN2C). Identifiers: Orphanet 970, MedGen C3280168, MONDO:0013634, OMIM 614213.
Intellectual disability, autosomal dominant 9 (NESCAVS). Also called: NESCAV SYNDROME; KIF1A-Related Neurodevelopmental Disorder. Identifiers: Orphanet 662367, MedGen C5393830, MONDO:0013656, OMIM 614255.

Submission:

Labcorp Genetics (formerly Invitae), Labcorp
Classification: Uncertain significance for Hereditary spastic paraplegia 30; Neuropathy, hereditary sensory, type 2C; Intellectual disability, autosomal dominant 9. Last evaluated: 2024-09-16. Review status: criteria provided, single submitter. Criteria: Invitae Variant Classification Sherloc (09022015). Collection method: clinical testing. Allele origin: germline.
Comment: This sequence change replaces phenylalanine, which is neutral and non-polar, with leucine, which is neutral and non-polar, at codon 535 of the KIF1A protein (p.Phe535Leu). This variant is not present in population databases (gnomAD no frequency). This variant has not been reported in the literature in individuals affected with KIF1A-related conditions. ClinVar contains an entry for this variant (Variation ID: 1717614). Invitae Evidence Modeling of protein sequence and biophysical properties (such as structural, functional, and spatial information, amino acid conservation, physicochemical variation, residue mobility, and thermodynamic stability) indicates that this missense variant is expected to disrupt KIF1A protein function with a positive predictive value of 80%. In summary, the available evidence is currently insufficient to determine the role of this variant in disease. Therefore, it has been classified as a Variant of Uncertain Significance.

NM_001244008.2(KIF1A):c.1630T>C (p.Phe544Leu)

Gene: KIF1A (kinesin family member 1A; minus strand). Cytogenetic location: 2q37.3.
Variant type: single nucleotide variant.
Coding change: c.1630T>C on transcript NM_001244008.2 (MANE Select); coding-DNA position 1630, T replaced by C.
Protein change: p.Phe544Leu; replaces phenylalanine 544 with leucine.
Molecular consequence: missense variant.
Genome position (GRCh38, 1-based): chr2:240,766,969, A>G on the plus strand (T>C on the coding strand, the complement: KIF1A is on the minus strand). VCF-style: chr2-240766969-A-G. GRCh37 (hg19) VCF-style: chr2-241706386-A-G.
Other names: c.1630T>C, p.Phe544Leu (NM_001320705.2, NM_001330289.2, NM_001379638.1); c.1705T>C, p.Phe569Leu (NM_001330290.2, NM_001379631.1, NM_001379634.1 and 2 more transcripts); c.1603T>C, p.Phe535Leu (NM_001379632.1, NM_001379633.1, NM_001379636.1 and 11 more transcripts); c.1678T>C, p.Phe560Leu (NM_001379637.1, NM_001379648.1); short protein forms F535L, F544L, F560L, F569L.
Identifiers: ClinVar variation 1717614 (VCV001717614.6), dbSNP rs2537763122, ClinGen allele CA351328162.
Genomic context (GRCh38, chr2:240,766,969, plus strand): 5'-TGATACCTTCGCTGCCTCCCCTGGAGTCGCTCCGGAAGACGCAGTGCTCCTCCTTGATGA[A>G]GTGCCCACTCAGAACAATGTCCTGCCGCCTCTCGCCATCCTCCCTGCCCACTCTGCGGGG-3'
Protein context (NP_001230937.1, residues 534-554): RRQDIVLSGH[Phe544Leu]IKEEHCVFRS